The following is an entry in ClinVar:

NM_020832.3(ZNF687):c.1593C>T (p.Thr531=)

Gene: ZNF687 (zinc finger protein 687; plus strand). Cytogenetic location: 1q21.3.
Variant type: single nucleotide variant.
Coding change: c.1593C>T on transcript NM_020832.3 (MANE Select); coding-DNA position 1593, C replaced by T.
Protein change: p.Thr531=; no amino-acid change (threonine 531 retained).
Molecular consequence: synonymous variant.
Genome position (GRCh38, 1-based): chr1:151,287,884, C>T. VCF-style: chr1-151287884-C-T. GRCh37 (hg19) VCF-style: chr1-151260360-C-T.
Other names: c.1593C>T, p.Thr531= (NM_001304763.2, NM_001304764.2).
Identifiers: ClinVar variation 2050395 (VCV002050395.29), dbSNP rs142842127, ClinGen allele CA1088361.

ClinVar aggregate classification (germline): Benign/Likely benign. Review status: criteria provided, multiple submitters, no conflicts (2 of 4 stars). 3 submissions from 3 submitters: Benign (1); Likely benign (2). Last evaluated 2025-12-31.

Allele frequency attached by ClinVar (database versions not stated): ESP Exome Variant Server 0.00046.

Submissions (3):

Labcorp Genetics (formerly Invitae), Labcorp
Classification: Benign. Last evaluated: 2025-12-31. Review status: criteria provided, single submitter. Criteria: Invitae Variant Classification Sherloc (09022015). Collection method: clinical testing. Allele origin: germline.

Blueprint Genetics
Classification: Likely benign. Last evaluated: 2024-10-17. Review status: criteria provided, single submitter. Criteria: ACMG Guidelines, 2015. Collection method: clinical testing. Allele origin: germline.

CeGaT Center for Human Genetics Tuebingen
Classification: Likely benign. Last evaluated: 2023-03-01. Review status: criteria provided, single submitter. Criteria: CeGaT Center For Human Genetics Tuebingen Variant Classification Criteria Version 2. Collection method: clinical testing. Allele origin: germline. Affected: yes. Observed: 1 variant allele.
Comment: ZNF687: BP4, BP7